The following is an entry in ClinVar:

ClinVar aggregate classification (germline): Likely benign. Review status: criteria provided, multiple submitters, no conflicts (2 of 4 stars). 2 submissions from 2 submitters: Likely benign (2). Last evaluated 2025-07-01.

Conditions:
Compton-North congenital myopathy (CMYO12). Identifiers: Orphanet 210163, MedGen C2675527, MONDO:0012929, OMIM 612540.

Allele frequency attached by ClinVar (database versions not stated): gnomAD 0.00001; gnomAD exomes 0.00001; TOPMed 0.00001; ExAC 0.00002.
gnomAD v4.1: 16 of 1,612,574 alleles (0.00099%); highest among the groups gnomAD compares: Non-Finnish European, 0.0014%; 1 homozygote.

Submissions (2):

CeGaT Center for Human Genetics Tuebingen
Classification: Likely benign. Last evaluated: 2025-07-01. Review status: criteria provided, single submitter. Criteria: CeGaT Center For Human Genetics Tuebingen Variant Classification Criteria Version 2. Collection method: clinical testing. Allele origin: germline. Affected: yes. Observed: 1 variant allele.
Comment: CNTN1: BP4, BP7

Labcorp Genetics (formerly Invitae), Labcorp
Classification: Likely benign for Compton-North congenital myopathy. Last evaluated: 2024-08-15. Review status: criteria provided, single submitter. Criteria: Invitae Variant Classification Sherloc (09022015). Collection method: clinical testing. Allele origin: germline.

NM_001843.4(CNTN1):c.1185C>T (p.Asn395=)

Gene: CNTN1 (contactin 1; plus strand). Cytogenetic location: 12q12.
Variant type: single nucleotide variant.
Coding change: c.1185C>T on transcript NM_001843.4 (MANE Select); coding-DNA position 1185, C replaced by T.
Protein change: p.Asn395=; no amino-acid change (asparagine 395 retained).
Molecular consequence: synonymous variant.
Genome position (GRCh38, 1-based): chr12:40,937,644, C>T. VCF-style: chr12-40937644-C-T. GRCh37 (hg19) VCF-style: chr12-41331446-C-T.
Other names: c.1185C>T, p.Asn395= (NM_001256063.2, NM_001256064.2); c.1152C>T, p.Asn384= (NM_175038.2).
Identifiers: ClinVar variation 1126442 (VCV001126442.21), dbSNP rs760250045, ClinGen allele CA6516800.